The following is an entry in ClinVar:

NM_001394062.1(MACF1):c.16712A>T (p.Asn5571Ile)

Gene: MACF1 (microtubule actin crosslinking factor 1; plus strand). Cytogenetic location: 1p34.3.
Variant type: single nucleotide variant.
Coding change: c.16712A>T on transcript NM_001394062.1 (MANE Select); coding-DNA position 16712, A replaced by T.
Protein change: p.Asn5571Ile; replaces asparagine 5571 with isoleucine.
Molecular consequence: missense variant. On other transcripts: intron variant (1).
Genome position (GRCh38, 1-based): chr1:39,428,196, A>T. VCF-style: chr1-39428196-A-T. GRCh37 (hg19) VCF-style: chr1-39893868-A-T.
Other names: c.10526A>T, p.Asn3509Ile (NM_012090.5); c.4872+582A>T (NM_001397473.1); c.10526A>T (NM_012090.4); short protein forms N3509I, N5571I.
Identifiers: ClinVar variation 2878283 (VCV002878283.4), dbSNP rs765563414, ClinGen allele CA783416.

ClinVar aggregate classification (germline): Conflicting classifications of pathogenicity. Review status: criteria provided, conflicting classifications (1 of 4 stars). 2 submissions from 2 submitters: Uncertain significance (1); Likely benign (1). Last evaluated 2025-10-02.

Conditions:
Inborn genetic diseases. Identifiers: MedGen C0950123, MeSH D030342.

gnomAD v4.1: 2 of 1,614,136 alleles (0.00012%); highest among the groups gnomAD compares: Admixed American, 0.0033%; no homozygotes.

Submissions (2):

Ambry Genetics
Classification: Likely benign for Inborn genetic diseases. Last evaluated: 2025-10-02. Review status: criteria provided, single submitter. Criteria: Ambry Variant Classification Scheme 2023. Collection method: clinical testing. Allele origin: germline.

Labcorp Genetics (formerly Invitae), Labcorp
Classification: Uncertain significance. Last evaluated: 2023-12-06. Review status: criteria provided, single submitter. Criteria: Invitae Variant Classification Sherloc (09022015). Collection method: clinical testing. Allele origin: germline.
Comment: This sequence change replaces asparagine, which is neutral and polar, with isoleucine, which is neutral and non-polar, at codon 3509 of the MACF1 protein (p.Asn3509Ile). This variant is present in population databases (rs765563414, gnomAD 0.009%). This variant has not been reported in the literature in individuals affected with MACF1-related conditions. An algorithm developed to predict the effect of missense changes on protein structure and function (PolyPhen-2) suggests that this variant is likely to be disruptive. In summary, the available evidence is currently insufficient to determine the role of this variant in disease. Therefore, it has been classified as a Variant of Uncertain Significance.